The following is an entry in ClinVar:

ClinVar aggregate classification (germline): Uncertain significance (1 of 4 stars; one submission).

Submission:

Labcorp Genetics (formerly Invitae), Labcorp
Classification: Uncertain significance. Last evaluated: 2024-07-01. Review status: criteria provided, single submitter. Criteria: Invitae Variant Classification Sherloc (09022015). Collection method: clinical testing. Allele origin: germline.
Comment: This sequence change replaces cysteine, which is neutral and slightly polar, with phenylalanine, which is neutral and non-polar, at codon 232 of the CLCN4 protein (p.Cys232Phe). This variant is not present in population databases (gnomAD no frequency). This variant has not been reported in the literature in individuals affected with CLCN4-related conditions. ClinVar contains an entry for this variant (Variation ID: 2065357). Advanced modeling of protein sequence and biophysical properties (such as structural, functional, and spatial information, amino acid conservation, physicochemical variation, residue mobility, and thermodynamic stability) performed at Invitae indicates that this missense variant is expected to disrupt CLCN4 protein function with a positive predictive value of 95%. In summary, the available evidence is currently insufficient to determine the role of this variant in disease. Therefore, it has been classified as a Variant of Uncertain Significance.

NM_001830.4(CLCN4):c.695G>T (p.Cys232Phe)

Gene: CLCN4 (chloride voltage-gated channel 4; plus strand). Cytogenetic location: Xp22.2.
Variant type: single nucleotide variant.
Coding change: c.695G>T on transcript NM_001830.4 (MANE Select); coding-DNA position 695, G replaced by T.
Protein change: p.Cys232Phe; replaces cysteine 232 with phenylalanine.
Molecular consequence: missense variant.
Genome position (GRCh38, 1-based): chrX:10,206,497, G>T. VCF-style: chrX-10206497-G-T. GRCh37 (hg19) VCF-style: chrX-10174537-G-T.
Other names: c.413G>T, p.Cys138Phe (NM_001256944.2); short protein forms C138F, C232F.
Identifiers: ClinVar variation 2065357 (VCV002065357.4), dbSNP rs2518884313, ClinGen allele CA412036812.